The following is an entry in ClinVar:

NM_004187.5(KDM5C):c.2663G>T (p.Arg888Leu)

Gene: KDM5C (lysine demethylase 5C; minus strand). Cytogenetic location: Xp11.22.
Variant type: single nucleotide variant.
Coding change: c.2663G>T on transcript NM_004187.5 (MANE Select); coding-DNA position 2663, G replaced by T.
Protein change: p.Arg888Leu; replaces arginine 888 with leucine.
Molecular consequence: missense variant. On other transcripts: non-coding transcript variant (3).
Genome position (GRCh38, 1-based): chrX:53,197,004, C>A on the plus strand (G>T on the coding strand, the complement: KDM5C is on the minus strand). VCF-style: chrX-53197004-C-A. GRCh37 (hg19) VCF-style: chrX-53226186-C-A.
Other names: c.2462G>T, p.Arg821Leu (NM_001146702.2); c.2660G>T, p.Arg887Leu (NM_001282622.3, NM_001353979.2, NM_001353982.2); c.2663G>T, p.Arg888Leu (NM_001353978.3, NM_001353981.2, NM_001353984.2); short protein forms R821L, R887L, R888L.
Identifiers: ClinVar variation 992267 (VCV000992267.6), dbSNP rs375850872, ClinGen allele CA10419343.

ClinVar aggregate classification (germline): Conflicting classifications of pathogenicity. Review status: criteria provided, conflicting classifications (1 of 4 stars). 3 submissions from 3 submitters: Uncertain significance (2); Likely benign (1). Last evaluated 2026-06-01.

Conditions:
Inborn genetic diseases. Identifiers: MedGen C0950123, MeSH D030342.

Allele frequency attached by ClinVar (database versions not stated): gnomAD 0.00001; TOPMed 0.00001; ESP Exome Variant Server 0.00009.
gnomAD v4.1: 28 of 1,190,656 alleles (0.0024%); highest among the groups gnomAD compares: Non-Finnish European, 0.003%; no homozygotes.

Submissions (3):

Ambry Genetics
Classification: Likely benign for Inborn genetic diseases. Last evaluated: 2026-06-01. Review status: criteria provided, single submitter. Criteria: Ambry Variant Classification Scheme 2023. Collection method: clinical testing. Allele origin: germline.

GeneDx
Classification: Uncertain significance. Last evaluated: 2023-01-03. Review status: criteria provided, single submitter. Criteria: GeneDx Variant Classification Process June 2021. Collection method: clinical testing. Allele origin: germline. Affected: yes.
Comment: In silico analysis supports that this missense variant has a deleterious effect on protein structure/function; This variant is associated with the following publications: (PMID: 31912665)

Women's Health and Genetics/Laboratory Corporation of America, LabCorp
Classification: Uncertain significance. Last evaluated: 2020-12-22. Review status: criteria provided, single submitter. Criteria: LabCorp Variant Classification Summary - May 2015. Collection method: clinical testing. Allele origin: germline.
Comment: Variant summary: KDM5C c.2663G>T (p.Arg888Leu) results in a non-conservative amino acid change located in the Lysine-specific demethylase-like domain (IPR013637) of the encoded protein sequence. Three of five in-silico tools predict a benign effect of the variant on protein function. The variant allele was found at a frequency of 1.4e-05 in 143544 control chromosomes (gnomAD). The available data on variant occurrences in the general population are insufficient to allow any conclusion about variant significance. c.2663G>T has been reported in the literature in a hemizygote individual with white matter abnormalities and a clinical presentation of intellectual disability, epilepsy, aggressive behavior, and macrocephaly (Helman_2020). This report does not provide unequivocal conclusions about association of the variant with Mental Retardation, Syndromic, Claes-Jensen Type, X-Linked. To our knowledge, no experimental evidence demonstrating an impact on protein function has been reported. No clinical diagnostic laboratories have submitted clinical-significance assessments for this variant to ClinVar after 2014. Based on the evidence outlined above, the variant was classified as uncertain significance.

Literature cited by the submitters: PubMed 31912665 (cited by Ambry Genetics and Women's Health and Genetics/Laboratory Corporation of America, LabCorp); PubMed 36413997 (cited by Ambry Genetics).